The following is an entry in ClinVar:

ClinVar aggregate classification (germline): Uncertain significance (1 of 4 stars; one submission).

Allele frequency attached by ClinVar (database versions not stated): ExAC 0.00001; TOPMed 0.00001.
gnomAD v4.1: 4 of 1,611,704 alleles (0.00025%); highest among the groups gnomAD compares: Admixed American, 0.005%; no homozygotes.

Submission:

Labcorp Genetics (formerly Invitae), Labcorp
Classification: Uncertain significance. Last evaluated: 2022-02-22. Review status: criteria provided, single submitter. Criteria: Invitae Variant Classification Sherloc (09022015). Collection method: clinical testing. Allele origin: germline.
Comment: This sequence change replaces glutamine, which is neutral and polar, with arginine, which is basic and polar, at codon 56 of the MPDZ protein (p.Gln56Arg). This variant is present in population databases (rs769533763, gnomAD 0.006%). This variant has not been reported in the literature in individuals affected with MPDZ-related conditions. Algorithms developed to predict the effect of missense changes on protein structure and function (SIFT, PolyPhen-2, Align-GVGD) all suggest that this variant is likely to be disruptive. In summary, the available evidence is currently insufficient to determine the role of this variant in disease. Therefore, it has been classified as a Variant of Uncertain Significance.

NM_001378778.1(MPDZ):c.167A>G (p.Gln56Arg)

Gene: MPDZ (multiple PDZ domain crumbs cell polarity complex component; minus strand). Cytogenetic location: 9p23.
Variant type: single nucleotide variant.
Coding change: c.167A>G on transcript NM_001378778.1 (MANE Select); coding-DNA position 167, A replaced by G.
Protein change: p.Gln56Arg; replaces glutamine 56 with arginine.
Molecular consequence: missense variant.
Genome position (GRCh38, 1-based): chr9:13,247,651, T>C on the plus strand (A>G on the coding strand, the complement: MPDZ is on the minus strand). VCF-style: chr9-13247651-T-C. GRCh37 (hg19) VCF-style: chr9-13247650-T-C.
Other names: c.167A>G, p.Gln56Arg (NM_001261406.2, NM_001261407.2, NM_001330637.2 and 14 more transcripts); short protein forms Q56R.
Identifiers: ClinVar variation 2203173 (VCV002203173.3), dbSNP rs769533763, ClinGen allele CA4988222.
Genomic context (GRCh38, chr9:13,247,651, plus strand): 5'-CTATGCCATGTCGTGAATGCCTGCTTGGGTGAATGATGTCCTACCTGGTCTTTCAGCTGC[T>C]GTACAGAAGTCTGAAGGCTCAGAATCTGACTGAAGAGAGGGCTCTGCAGGACTGACTTCA-3'
Protein context (NP_001365707.1, residues 46-66): SQILSLQTSV[Gln56Arg]QLKDQVNIAT